The following is an entry in ClinVar:

NM_000439.5(PCSK1):c.1208C>A (p.Thr403Asn)

Genes: CAST (calpastatin; plus strand), PCSK1 (proprotein convertase subtilisin/kexin type 1; minus strand), LOC101929710 (uncharacterized LOC101929710; plus strand). Cytogenetic location: 5q15.
Variant type: single nucleotide variant.
Coding change: c.1208C>A on transcript NM_000439.5 (MANE Select); coding-DNA position 1208, C replaced by A.
Protein change: p.Thr403Asn; replaces threonine 403 with asparagine.
Molecular consequence: missense variant. On other transcripts: intron variant (11).
Genome position (GRCh38, 1-based): chr5:96,400,175, G>T on the plus strand (C>A on the coding strand, the complement: PCSK1 is on the minus strand). VCF-style: chr5-96400175-G-T. GRCh37 (hg19) VCF-style: chr5-95735879-G-T.
Other names: c.1067C>A, p.Thr356Asn (NM_001177875.2); c.-175+20523G>T (NM_001423254.1, NM_001423259.1, NM_001423255.1 and 6 more transcripts); c.-103+20523G>T (NM_001423253.1); c.-40+20523G>T (NM_001423258.1); short protein forms T356N, T403N.
Identifiers: ClinVar variation 3358570 (VCV003358570.1).

ClinVar aggregate classification (germline): Uncertain significance (0 of 4 stars; one submission).

Conditions:
PCSK1-related disorder. Also called: PCSK1-related condition.

gnomAD v4.1: 3 of 1,613,624 alleles (0.00019%); highest among the groups gnomAD compares: South Asian, 0.0033%; no homozygotes.

Submission:

PreventionGenetics, part of Exact Sciences
Classification: Uncertain significance for PCSK1-related condition. Last evaluated: 2024-03-26. Review status: no assertion criteria provided. Collection method: clinical testing. Allele origin: germline.
Comment: The PCSK1 c.1208C>A variant is predicted to result in the amino acid substitution p.Thr403Asn. To our knowledge, this variant has not been reported in the literature. This variant is reported in 0.0033% of alleles in individuals of South Asian descent in gnomAD. At this time, the clinical significance of this variant is uncertain due to the absence of conclusive functional and genetic evidence.